The following is an entry in ClinVar:

NM_032119.4(ADGRV1):c.5500T>C (p.Phe1834Leu)

Gene: ADGRV1 (adhesion G protein-coupled receptor V1; plus strand). Cytogenetic location: 5q14.3.
Variant type: single nucleotide variant.
Coding change: c.5500T>C on transcript NM_032119.4 (MANE Select); coding-DNA position 5500, T replaced by C.
Protein change: p.Phe1834Leu; replaces phenylalanine 1834 with leucine.
Molecular consequence: missense variant. On other transcripts: non-coding transcript variant (1).
Genome position (GRCh38, 1-based): chr5:90,679,605, T>C. VCF-style: chr5-90679605-T-C. GRCh37 (hg19) VCF-style: chr5-89975422-T-C.
Other names: short protein forms F1834L.
Identifiers: ClinVar variation 2093326 (VCV002093326.4), dbSNP rs1744677347, ClinGen allele CA360412065.

ClinVar aggregate classification (germline): Uncertain significance (1 of 4 stars; one submission).

Allele frequency attached by ClinVar (database versions not stated): TOPMed below 0.00001.

Submission:

Labcorp Genetics (formerly Invitae), Labcorp
Classification: Uncertain significance. Last evaluated: 2023-11-13. Review status: criteria provided, single submitter. Criteria: Invitae Variant Classification Sherloc (09022015). Collection method: clinical testing. Allele origin: germline.
Comment: This sequence change replaces phenylalanine, which is neutral and non-polar, with leucine, which is neutral and non-polar, at codon 1834 of the ADGRV1 protein (p.Phe1834Leu). This variant is not present in population databases (gnomAD no frequency). This variant has not been reported in the literature in individuals affected with ADGRV1-related conditions. ClinVar contains an entry for this variant (Variation ID: 2093326). Algorithms developed to predict the effect of missense changes on protein structure and function output the following: SIFT: "Not Available"; PolyPhen-2: "Benign"; Align-GVGD: "Not Available". The leucine amino acid residue is found in multiple mammalian species, which suggests that this missense change does not adversely affect protein function. In summary, the available evidence is currently insufficient to determine the role of this variant in disease. Therefore, it has been classified as a Variant of Uncertain Significance.